The following is an entry in ClinVar:

NM_020988.3(GNAO1):c.614A>T (p.Gln205Leu)

Gene: GNAO1 (G protein subunit alpha o1; plus strand). Cytogenetic location: 16q13.
Variant type: single nucleotide variant.
Coding change: c.614A>T on transcript NM_020988.3 (MANE Select); coding-DNA position 614, A replaced by T.
Protein change: p.Gln205Leu; replaces glutamine 205 with leucine.
Molecular consequence: missense variant.
Genome position (GRCh38, 1-based): chr16:56,336,751, A>T. VCF-style: chr16-56336751-A-T. GRCh37 (hg19) VCF-style: chr16-56370663-A-T.
Other names: c.614A>T (NM_020988.2); c.614A>T, p.Gln205Leu (NM_138736.3); short protein forms Q205L.
Identifiers: ClinVar variation 2860706 (VCV002860706.4), dbSNP rs2143664881, ClinGen allele CA395952177.

ClinVar aggregate classification (germline): Uncertain significance. Review status: criteria provided, multiple submitters, no conflicts (2 of 4 stars). 2 submissions from 2 submitters: Uncertain significance (2). Last evaluated 2024-06-17.

Conditions:
Early-infantile DEE. Also called: Ohtahara syndrome; Early infantile epileptic encephalopathy with suppression bursts; Early infantile epileptic encephalopathy. Identifiers: Orphanet 1934, MedGen C0393706, MONDO:0800491.

Submissions (2):

GeneDx
Classification: Uncertain significance. Last evaluated: 2024-06-17. Review status: criteria provided, single submitter. Criteria: GeneDx Variant Classification Process June 2021. Collection method: clinical testing. Allele origin: germline. Affected: yes.
Comment: Not observed at significant frequency in large population cohorts (gnomAD); In silico analysis supports that this missense variant has a deleterious effect on protein structure/function; Has not been previously published as pathogenic or benign to our knowledge

Labcorp Genetics (formerly Invitae), Labcorp
Classification: Uncertain significance for Early-infantile DEE. Last evaluated: 2023-04-30. Review status: criteria provided, single submitter. Criteria: Invitae Variant Classification Sherloc (09022015). Collection method: clinical testing. Allele origin: germline.
Comment: This variant has not been reported in the literature in individuals affected with GNAO1-related conditions. In summary, the available evidence is currently insufficient to determine the role of this variant in disease. Therefore, it has been classified as a Variant of Uncertain Significance. Experimental studies have shown that this missense change affects GNAO1 function (PMID: 10419452, 10615050). Advanced modeling of protein sequence and biophysical properties (such as structural, functional, and spatial information, amino acid conservation, physicochemical variation, residue mobility, and thermodynamic stability) performed at Invitae indicates that this missense variant is expected to disrupt GNAO1 protein function. This variant is not present in population databases (gnomAD no frequency). This sequence change replaces glutamine, which is neutral and polar, with leucine, which is neutral and non-polar, at codon 205 of the GNAO1 protein (p.Gln205Leu).

Literature cited by the submitters: PubMed 10419452 (cited by Labcorp Genetics (formerly Invitae), Labcorp); PubMed 10615050 (cited by Labcorp Genetics (formerly Invitae), Labcorp).